The following is an entry in ClinVar:

ClinVar aggregate classification (germline): Uncertain significance (0 of 4 stars; one submission).

Conditions:
PLXNA2-related disorder. Also called: PLXNA2-related condition.

Submission:

PreventionGenetics, part of Exact Sciences
Classification: Uncertain significance for PLXNA2-related condition. Last evaluated: 2023-11-02. Review status: no assertion criteria provided. Collection method: clinical testing. Allele origin: germline.
Comment: The PLXNA2 c.1388C>G variant is predicted to result in the amino acid substitution p.Pro463Arg. To our knowledge, this variant has not been reported in the literature or in a large population database, indicating this variant is rare. At this time, the clinical significance of this variant is uncertain due to the absence of conclusive functional and genetic evidence.

NM_025179.4(PLXNA2):c.1388C>G (p.Pro463Arg)

Gene: PLXNA2 (plexin A2; minus strand). Cytogenetic location: 1q32.2.
Variant type: single nucleotide variant.
Coding change: c.1388C>G on transcript NM_025179.4 (MANE Select); coding-DNA position 1388, C replaced by G.
Protein change: p.Pro463Arg; replaces proline 463 with arginine.
Molecular consequence: missense variant.
Genome position (GRCh38, 1-based): chr1:208,142,447, G>C on the plus strand (C>G on the coding strand, the complement: PLXNA2 is on the minus strand). VCF-style: chr1-208142447-G-C. GRCh37 (hg19) VCF-style: chr1-208315792-G-C.
Other names: short protein forms P463R.
Identifiers: ClinVar variation 3349501 (VCV003349501.1).